The following is an entry in ClinVar:

NM_033380.3(COL4A5):c.946G>A (p.Gly316Ser)

Gene: COL4A5 (collagen type IV alpha 5 chain; plus strand). Cytogenetic location: Xq22.3.
Variant type: single nucleotide variant.
Coding change: c.946G>A on transcript NM_033380.3 (MANE Select); coding-DNA position 946, G replaced by A.
Protein change: p.Gly316Ser; replaces glycine 316 with serine.
Molecular consequence: missense variant.
Genome position (GRCh38, 1-based): chrX:108,582,893, G>A. VCF-style: chrX-108582893-G-A. GRCh37 (hg19) VCF-style: chrX-107826123-G-A.
Other names: c.946G>A, p.Gly316Ser (NM_000495.5); short protein forms G316S.
Identifiers: ClinVar variation 851082 (VCV000851082.9), dbSNP rs2066273571, ClinGen allele CA413927415.

ClinVar aggregate classification (germline): Likely pathogenic (1 of 4 stars; one submission).

Submission:

Labcorp Genetics (formerly Invitae), Labcorp
Classification: Likely pathogenic. Last evaluated: 2025-02-03. Review status: criteria provided, single submitter. Criteria: Invitae Variant Classification Sherloc (09022015). Collection method: clinical testing. Allele origin: germline.
Comment: This sequence change replaces glycine, which is neutral and non-polar, with serine, which is neutral and polar, at codon 316 of the COL4A5 protein (p.Gly316Ser). This variant is not present in population databases (gnomAD no frequency). This variant has not been reported in the literature in individuals affected with COL4A5-related conditions. ClinVar contains an entry for this variant (Variation ID: 851082). Invitae Evidence Modeling of protein sequence and biophysical properties (such as structural, functional, and spatial information, amino acid conservation, physicochemical variation, residue mobility, and thermodynamic stability) indicates that this missense variant is expected to disrupt COL4A5 protein function with a positive predictive value of 95%. This variant disrupts the triple helix domain of COL4A5. Glycine residues within the Gly-Xaa-Yaa repeats of the triple helix domain are required for the structure and stability of fibrillar collagens (PMID: 7695699, 8218237, 19344236). In COL4A5, missense variants at these glycine residues are significantly enriched in individuals with disease (PMID: 23720012, 27627812) compared to the general population (ExAC). In summary, the currently available evidence indicates that the variant is pathogenic, but additional data are needed to prove that conclusively. Therefore, this variant has been classified as Likely Pathogenic.

Literature cited by the submitters: PubMed 7695699; PubMed 8218237; PubMed 19344236; PubMed 23720012; PubMed 27627812.